The following is an entry in ClinVar:

NM_001042681.2(RERE):c.1674C>T (p.Pro558=)

Gene: RERE (arginine-glutamic acid dipeptide repeats; minus strand). Cytogenetic location: 1p36.23.
Variant type: single nucleotide variant.
Coding change: c.1674C>T on transcript NM_001042681.2 (MANE Select); coding-DNA position 1674, C replaced by T.
Protein change: p.Pro558=; no amino-acid change (proline 558 retained).
Molecular consequence: synonymous variant.
Genome position (GRCh38, 1-based): chr1:8,364,122, G>A on the plus strand (C>T on the coding strand, the complement: RERE is on the minus strand). VCF-style: chr1-8364122-G-A. GRCh37 (hg19) VCF-style: chr1-8424182-G-A.
Other names: c.12C>T, p.Pro4= (NM_001042682.2); c.1674C>T, p.Pro558= (NM_012102.4).
Identifiers: ClinVar variation 2081503 (VCV002081503.6), dbSNP rs372438002, ClinGen allele CA571622.

ClinVar aggregate classification (germline): Likely benign. Review status: criteria provided, multiple submitters, no conflicts (2 of 4 stars). 2 submissions from 2 submitters: Likely benign (2). Last evaluated 2026-05-01.

Allele frequency attached by ClinVar (database versions not stated): gnomAD 0.00004; TOPMed 0.00005; ESP Exome Variant Server 0.00008; 1000 Genomes Project 30x 0.00016.
gnomAD v4.1: 45 of 1,614,146 alleles (0.0028%); highest among the groups gnomAD compares: Admixed American, 0.048%; no homozygotes.

Submissions (2):

CeGaT Center for Human Genetics Tuebingen
Classification: Likely benign. Last evaluated: 2026-05-01. Review status: criteria provided, single submitter. Criteria: CeGaT Center For Human Genetics Tuebingen Variant Classification Criteria Version 2. Collection method: clinical testing. Allele origin: germline. Affected: yes. Observed: 1 variant allele.
Comment: RERE: BP4, BP7

Labcorp Genetics (formerly Invitae), Labcorp
Classification: Likely benign. Last evaluated: 2025-08-08. Review status: criteria provided, single submitter. Criteria: Invitae Variant Classification Sherloc (09022015). Collection method: clinical testing. Allele origin: germline.